The following is an entry in ClinVar:

ClinVar aggregate classification (germline): Uncertain significance (1 of 4 stars; one submission).

Conditions:
Epilepsy, childhood absence, susceptibility to, 1. Also called: Epilepsy, childhood absence 1. Identifiers: Orphanet 64280, MedGen C1838604, MONDO:0020759, OMIM 600131.
Epilepsy, childhood absence, susceptibility to, 5. Identifiers: Orphanet 64280, MedGen C2677087, MONDO:0012843, OMIM 612269.

Allele frequency attached by ClinVar (database versions not stated): gnomAD exomes below 0.00001.
gnomAD v4.1: 2 of 1,614,056 alleles (0.00012%); highest among the groups gnomAD compares: South Asian, 0.0022%; no homozygotes.

Submission:

Labcorp Genetics (formerly Invitae), Labcorp
Classification: Uncertain significance for Epilepsy, childhood absence, susceptibility to, 5; Epilepsy, childhood absence, susceptibility to, 1. Last evaluated: 2021-11-28. Review status: criteria provided, single submitter. Criteria: Invitae Variant Classification Sherloc (09022015). Collection method: clinical testing. Allele origin: germline.
Comment: This sequence change replaces asparagine, which is neutral and polar, with lysine, which is basic and polar, at codon 268 of the GABRB3 protein (p.Asn268Lys). This variant is present in population databases (no rsID available, gnomAD 0.003%). This variant has not been reported in the literature in individuals affected with GABRB3-related conditions. Advanced modeling of protein sequence and biophysical properties (such as structural, functional, and spatial information, amino acid conservation, physicochemical variation, residue mobility, and thermodynamic stability) performed at Invitae indicates that this missense variant is expected to disrupt GABRB3 protein function. Algorithms developed to predict the effect of sequence changes on RNA splicing suggest that this variant may create or strengthen a splice site. In summary, the available evidence is currently insufficient to determine the role of this variant in disease. Therefore, it has been classified as a Variant of Uncertain Significance.

NM_000814.6(GABRB3):c.804T>G (p.Asn268Lys)

Gene: GABRB3 (gamma-aminobutyric acid type A receptor subunit beta3; minus strand). Cytogenetic location: 15q12.
Variant type: single nucleotide variant.
Coding change: c.804T>G on transcript NM_000814.6 (MANE Select); coding-DNA position 804, T replaced by G.
Protein change: p.Asn268Lys; replaces asparagine 268 with lysine.
Molecular consequence: missense variant.
Genome position (GRCh38, 1-based): chr15:26,567,612, A>C on the plus strand (T>G on the coding strand, the complement: GABRB3 is on the minus strand). VCF-style: chr15-26567612-A-C. GRCh37 (hg19) VCF-style: chr15-26812759-A-C.
Other names: c.549T>G, p.Asn183Lys (NM_001191320.2, NM_001278631.2); c.591T>G, p.Asn197Lys (NM_001191321.3); c.804T>G, p.Asn268Lys (NM_021912.5); short protein forms N197K, N183K, N268K.
Identifiers: ClinVar variation 2014128 (VCV002014128.4), dbSNP rs1423742333, ClinGen allele CA391463061.